The following is an entry in ClinVar:

NM_001003694.2(BRPF1):c.1420G>A (p.Glu474Lys)

Gene: BRPF1 (bromodomain and PHD finger containing 1; plus strand). Cytogenetic location: 3p25.3.
Variant type: single nucleotide variant.
Coding change: c.1420G>A on transcript NM_001003694.2 (MANE Select); coding-DNA position 1420, G replaced by A.
Protein change: p.Glu474Lys; replaces glutamic acid 474 with lysine.
Molecular consequence: missense variant. On other transcripts: non-coding transcript variant (1).
Genome position (GRCh38, 1-based): chr3:9,739,819, G>A. VCF-style: chr3-9739819-G-A. GRCh37 (hg19) VCF-style: chr3-9781503-G-A.
Other names: c.1420G>A, p.Glu474Lys (NM_001319049.2, NM_001319050.2, NM_001410704.1 and 7 more transcripts); short protein forms E474K.
Identifiers: ClinVar variation 4847781 (VCV004847781.1).

ClinVar aggregate classification (germline): Uncertain significance (1 of 4 stars; one submission).

Submission:

Women's Health and Genetics/Laboratory Corporation of America, LabCorp
Classification: Uncertain significance. Last evaluated: 2026-02-26. Review status: criteria provided, single submitter. Criteria: LabCorp Variant Classification Summary - May 2015. Collection method: clinical testing. Allele origin: germline.
Comment: Variant summary: BRPF1 c.1420G>A (p.Glu474Lys) results in a conservative amino acid change in the encoded protein sequence. Algorithms developed to predict the effect of missense changes on protein structure and function are either unavailable or do not agree on the potential impact of this missense change. The variant was absent in 236168 control chromosomes. The available data on variant occurrences in the general population are insufficient to allow any conclusion about variant significance. To our knowledge, no occurrence of c.1420G>A in individuals affected with BRPF1-related conditions and no experimental evidence demonstrating its impact on protein function have been reported. No submitters have cited clinical-significance assessments for this variant to ClinVar. Based on the evidence outlined above, the variant was classified as uncertain significance.